The following is an entry in ClinVar:

NM_017819.4(TRMT10C):c.848C>T (p.Pro283Leu)

Gene: TRMT10C (tRNA methyltransferase 10C, mitochondrial RNase P subunit; plus strand). Cytogenetic location: 3q12.3.
Variant type: single nucleotide variant.
Coding change: c.848C>T on transcript NM_017819.4 (MANE Select); coding-DNA position 848, C replaced by T.
Protein change: p.Pro283Leu; replaces proline 283 with leucine.
Molecular consequence: missense variant.
Genome position (GRCh38, 1-based): chr3:101,565,629, C>T. VCF-style: chr3-101565629-C-T. GRCh37 (hg19) VCF-style: chr3-101284473-C-T.
Other names: short protein forms P283L.
Identifiers: ClinVar variation 2048508 (VCV002048508.4), dbSNP rs2545692342, ClinGen allele CA353865422.
Genomic context (GRCh38, chr3:101,565,629, plus strand): 5'-AAGAAAAATGGGACAAATTGCTTTTAACATCAACAGAAAAGTCTCATGTAGATTTATTTC[C>T]AAAGGACAGTATTATCTATTTAACTGCAGATTCTCCCAATGTTATGACTACTTTCAGGCA-3'
Protein context (NP_060289.2, residues 273-293): STEKSHVDLF[Pro283Leu]KDSIIYLTAD

ClinVar aggregate classification (germline): Uncertain significance (1 of 4 stars; one submission).

Submission:

Labcorp Genetics (formerly Invitae), Labcorp
Classification: Uncertain significance. Last evaluated: 2022-07-19. Review status: criteria provided, single submitter. Criteria: Invitae Variant Classification Sherloc (09022015). Collection method: clinical testing. Allele origin: germline.
Comment: In summary, the available evidence is currently insufficient to determine the role of this variant in disease. Therefore, it has been classified as a Variant of Uncertain Significance. Algorithms developed to predict the effect of missense changes on protein structure and function are either unavailable or do not agree on the potential impact of this missense change (SIFT: "Deleterious"; PolyPhen-2: "Probably Damaging"; Align-GVGD: "Class C15"). This variant has not been reported in the literature in individuals affected with TRMT10C-related conditions. This variant is not present in population databases (gnomAD no frequency). This sequence change replaces proline, which is neutral and non-polar, with leucine, which is neutral and non-polar, at codon 283 of the TRMT10C protein (p.Pro283Leu).